The following is an entry in ClinVar:

NM_003774.5(GALNT4):c.483T>C (p.Thr161=)

Genes: GALNT4 (polypeptide N-acetylgalactosaminyltransferase 4; minus strand), POC1B (POC1 centriolar protein B; minus strand), POC1B-DUSP6 (POC1B-DUSP6 readthrough; minus strand), POC1B-GALNT4 (POC1B-GALNT4 readthrough; minus strand). Cytogenetic location: 12q21.33.
Variant type: single nucleotide variant.
Coding change: c.483T>C on transcript NM_003774.5 (MANE Select); coding-DNA position 483, T replaced by C.
Protein change: p.Thr161=; no amino-acid change (threonine 161 retained).
Molecular consequence: synonymous variant. On other transcripts: intron variant (9).
Genome position (GRCh38, 1-based): chr12:89,524,067, A>G on the plus strand (T>C on the coding strand, the complement: GALNT4 is on the minus strand). VCF-style: chr12-89524067-A-G. GRCh37 (hg19) VCF-style: chr12-89917844-A-G.
Other names: c.474T>C, p.Thr158= (NM_001199781.2); c.-119+1053T>C (NM_001425796.1, NM_001425773.1); c.100+1053T>C (NM_001425795.1, NM_001425794.1, NM_001425772.1 and 2 more transcripts); c.-27+1053T>C (NM_001199777.2); c.361-394T>C (NM_001199782.1).
Identifiers: ClinVar variation 5041199 (VCV005041199.1).

ClinVar aggregate classification (germline): Likely benign (1 of 4 stars; one submission).

gnomAD v4.1: 9 of 1,613,808 alleles (0.00056%); highest among the groups gnomAD compares: Non-Finnish European, 0.00076%; no homozygotes.

Submission:

CeGaT Center for Human Genetics Tuebingen
Classification: Likely benign. Last evaluated: 2026-09-01. Review status: criteria provided, single submitter. Criteria: CeGaT Center For Human Genetics Tuebingen Variant Classification Criteria Version 2. Collection method: clinical testing. Allele origin: germline. Affected: yes. Observed: 1 variant allele.
Comment: GALNT4: BP4, BP7; POC1B-GALNT4: BP4, BP7